The following is an entry in ClinVar:

NM_016169.4(SUFU):c.824G>A (p.Trp275Ter)

Gene: SUFU (SUFU negative regulator of hedgehog signaling; plus strand). Cytogenetic location: 10q24.32.
Variant type: single nucleotide variant.
Coding change: c.824G>A on transcript NM_016169.4 (MANE Select); coding-DNA position 824, G replaced by A.
Protein change: p.Trp275Ter; replaces tryptophan 275 with a stop codon.
Molecular consequence: nonsense.
Genome position (GRCh38, 1-based): chr10:102,597,207, G>A. VCF-style: chr10-102597207-G-A. GRCh37 (hg19) VCF-style: chr10-104356964-G-A.
Other names: c.824G>A, p.Trp275Ter (NM_001178133.2); short protein forms W275*.
Identifiers: ClinVar variation 578241 (VCV000578241.7), dbSNP rs1564698683, ClinGen allele CA377910484.

ClinVar aggregate classification (germline): Pathogenic (1 of 4 stars; one submission).

Conditions:
Gorlin syndrome. Also called: Basal cell nevus syndrome; Nevoid Basal Cell Carcinoma Syndrome. Identifiers: Orphanet 377, MedGen C0004779, MONDO:0007187.
Medulloblastoma (MDB). Also called: MEDULLOBLASTOMA PREDISPOSITION SYNDROME; Medulloblastoma, somatic. Identifiers: Orphanet 616, MedGen C0025149, MeSH D008527, MONDO:0007959, OMIM 155255, HP:0002885.

Submission:

Labcorp Genetics (formerly Invitae), Labcorp
Classification: Pathogenic for Gorlin syndrome; Medulloblastoma. Last evaluated: 2018-04-05. Review status: criteria provided, single submitter. Criteria: Invitae Variant Classification Sherloc (09022015). Collection method: clinical testing. Allele origin: germline.
Comment: This variant is not present in population databases (ExAC no frequency). For these reasons, this variant has been classified as Pathogenic. Loss-of-function variants in SUFU are known to be pathogenic (PMID: 22508808, 25403219). This variant has not been reported in the literature in individuals with SUFU-related disease. This sequence change creates a premature translational stop signal (p.Trp275*) in the SUFU gene. It is expected to result in an absent or disrupted protein product.

Literature cited by the submitters: PubMed 22508808; PubMed 25403219.